The following is an entry in ClinVar:

NM_001621.5(AHR):c.1382T>C (p.Met461Thr)

Gene: AHR (aryl hydrocarbon receptor; plus strand). Cytogenetic location: 7p21.1.
Variant type: single nucleotide variant.
Coding change: c.1382T>C on transcript NM_001621.5 (MANE Select); coding-DNA position 1382, T replaced by C.
Protein change: p.Met461Thr; replaces methionine 461 with threonine.
Molecular consequence: missense variant.
Genome position (GRCh38, 1-based): chr7:17,339,207, T>C. VCF-style: chr7-17339207-T-C. GRCh37 (hg19) VCF-style: chr7-17378831-T-C.
Other names: short protein forms M461T.
Identifiers: ClinVar variation 2120324 (VCV002120324.4), dbSNP rs199841463, ClinGen allele CA154120209.

ClinVar aggregate classification (germline): Uncertain significance (1 of 4 stars; one submission).

Allele frequency attached by ClinVar (database versions not stated): gnomAD exomes below 0.00001; TOPMed below 0.00001.

Submission:

Labcorp Genetics (formerly Invitae), Labcorp
Classification: Uncertain significance. Last evaluated: 2022-04-01. Review status: criteria provided, single submitter. Criteria: Invitae Variant Classification Sherloc (09022015). Collection method: clinical testing. Allele origin: germline.
Comment: This sequence change replaces methionine, which is neutral and non-polar, with threonine, which is neutral and polar, at codon 461 of the AHR protein (p.Met461Thr). In summary, the available evidence is currently insufficient to determine the role of this variant in disease. Therefore, it has been classified as a Variant of Uncertain Significance. Algorithms developed to predict the effect of missense changes on protein structure and function output the following: SIFT: "Tolerated"; PolyPhen-2: "Benign"; Align-GVGD: "Class C0". The threonine amino acid residue is found in multiple mammalian species, which suggests that this missense change does not adversely affect protein function. This variant has not been reported in the literature in individuals affected with AHR-related conditions. The frequency data for this variant in the population databases is considered unreliable, as metrics indicate poor data quality at this position in the gnomAD database.